The following is an entry in ClinVar:

ClinVar aggregate classification (germline): Conflicting classifications of pathogenicity. Review status: criteria provided, conflicting classifications (1 of 4 stars). 4 submissions from 4 submitters: Uncertain significance (2); Likely benign (2). Last evaluated 2025-07-14.

Conditions:
Cardiac arrhythmia, ankyrin-B-related. Also called: ANKYRIN-B SYNDROME. Identifiers: Orphanet 101016, Orphanet 768, MedGen C1970119, MONDO:0010958, OMIM 600919.
Long QT syndrome (LQTS). Identifiers: MedGen C0023976, MeSH D008133, MONDO:0002442. Disease mechanism: loss of function. Inheritance: Various modes of inheritance.
Cardiovascular phenotype. Identifiers: MedGen CN230736.

Allele frequency attached by ClinVar (database versions not stated): gnomAD exomes 0.00002; TOPMed 0.00003; gnomAD 0.00005.
gnomAD v4.1: 39 of 1,613,906 alleles (0.0024%); highest among the groups gnomAD compares: Non-Finnish European, 0.0031%; no homozygotes.

Submissions (4):

Labcorp Genetics (formerly Invitae), Labcorp
Classification: Uncertain significance for Long QT syndrome. Last evaluated: 2025-07-14. Review status: criteria provided, single submitter. Criteria: Invitae Variant Classification Sherloc (09022015). Collection method: clinical testing. Allele origin: germline.
Comment: This sequence change replaces proline, which is neutral and non-polar, with serine, which is neutral and polar, at codon 2887 of the ANK2 protein (p.Pro2887Ser). This variant is present in population databases (no rsID available, gnomAD 0.01%). This variant has not been reported in the literature in individuals affected with ANK2-related conditions. ClinVar contains an entry for this variant (Variation ID: 662373). An algorithm developed to predict the effect of missense changes on protein structure and function outputs the following: PolyPhen-2: "Benign". The serine amino acid residue is found in multiple mammalian species, which suggests that this missense change does not adversely affect protein function. In summary, the available evidence is currently insufficient to determine the role of this variant in disease. Therefore, it has been classified as a Variant of Uncertain Significance.

Ambry Genetics
Classification: Likely benign for Cardiovascular phenotype. Last evaluated: 2025-03-19. Review status: criteria provided, single submitter. Criteria: Ambry Variant Classification Scheme 2023. Collection method: clinical testing. Allele origin: germline.

Blueprint Genetics
Classification: Likely benign. Last evaluated: 2024-06-05. Review status: criteria provided, single submitter. Criteria: ACMG Guidelines, 2015. Collection method: clinical testing. Allele origin: germline.

Fulgent Genetics
Classification: Uncertain significance for Cardiac arrhythmia, ankyrin-B-related. Last evaluated: 2021-08-25. Review status: criteria provided, single submitter. Criteria: ACMG Guidelines, 2015. Collection method: clinical testing. Allele origin: unknown.

NM_001148.6(ANK2):c.8659C>T (p.Pro2887Ser)

Gene: ANK2 (ankyrin 2; plus strand). Cytogenetic location: 4q26.
Variant type: single nucleotide variant.
Coding change: c.8659C>T on transcript NM_001148.6 (MANE Select); coding-DNA position 8659, C replaced by T.
Protein change: p.Pro2887Ser; replaces proline 2887 with serine.
Molecular consequence: missense variant. On other transcripts: intron variant (68).
Genome position (GRCh38, 1-based): chr4:113,357,277, C>T. VCF-style: chr4-113357277-C-T. GRCh37 (hg19) VCF-style: chr4-114278433-C-T.
Other names: c.8425C>T, p.Pro2809Ser (NM_001386142.1); c.5059C>T, p.Pro1687Ser (NM_001386166.1); c.8800C>T, p.Pro2934Ser (NM_001386174.1); c.8776C>T, p.Pro2926Ser (NM_001386175.1); c.4412-3546C>T (NM_001386186.2, NM_001386148.2); c.4214-3546C>T (NM_001354269.3); c.4292-3546C>T (NM_001386187.2); c.4253-3546C>T (NM_001386147.1); and 35 more; short protein forms P2887S, P1687S, P2809S, P2926S, P2934S.
Identifiers: ClinVar variation 662373 (VCV000662373.12), dbSNP rs1050108506, ClinGen allele CA103816263.
Genomic context (GRCh38, chr4:113,357,277, plus strand): 5'-GCCACATCTTCTATTCAAAAAACAGAGGTCACAAAAACTGATGAAACATTTGAGAACTTA[C>T]CAAAGGACTGCCCCTCTCAAGACTCATCCATTACTACTCAAACAGATAGATTTTCCATGG-3'
Protein context (NP_001139.3, residues 2877-2897): TKTDETFENL[Pro2887Ser]KDCPSQDSSI